The following is an entry in ClinVar:

ClinVar aggregate classification (germline): Uncertain significance (1 of 4 stars; one submission).

Allele frequency attached by ClinVar (database versions not stated): gnomAD exomes below 0.00001.
gnomAD v4.1: 3 of 1,606,650 alleles (0.00019%); highest among the groups gnomAD compares: Non-Finnish European, 0.00026%; no homozygotes.

Submission:

Labcorp Genetics (formerly Invitae), Labcorp
Classification: Uncertain significance. Last evaluated: 2025-11-17. Review status: criteria provided, single submitter. Criteria: Invitae Variant Classification Sherloc (09022015). Collection method: clinical testing. Allele origin: germline.
Comment: This sequence change replaces glutamic acid, which is acidic and polar, with glycine, which is neutral and non-polar, at codon 418 of the GUF1 protein (p.Glu418Gly). This variant is present in population databases (no rsID available, gnomAD 0.0009%). This variant has not been reported in the literature in individuals affected with GUF1-related conditions. ClinVar contains an entry for this variant (Variation ID: 1442241). Invitae Evidence Modeling of protein sequence and biophysical properties (such as structural, functional, and spatial information, amino acid conservation, physicochemical variation, residue mobility, and thermodynamic stability) indicates that this missense variant is expected to disrupt GUF1 protein function with a positive predictive value of 80%. In summary, the available evidence is currently insufficient to determine the role of this variant in disease. Therefore, it has been classified as a Variant of Uncertain Significance.

NM_021927.3(GUF1):c.1253A>G (p.Glu418Gly)

Gene: GUF1 (GTP binding elongation factor GUF1; plus strand). Cytogenetic location: 4p12.
Variant type: single nucleotide variant.
Coding change: c.1253A>G on transcript NM_021927.3 (MANE Select); coding-DNA position 1253, A replaced by G.
Protein change: p.Glu418Gly; replaces glutamic acid 418 with glycine.
Molecular consequence: missense variant.
Genome position (GRCh38, 1-based): chr4:44,689,893, A>G. VCF-style: chr4-44689893-A-G. GRCh37 (hg19) VCF-style: chr4-44691910-A-G.
Other names: c.281A>G, p.Glu94Gly (NM_001345867.2, NM_001345869.2); c.1253A>G, p.Glu418Gly (NM_001345868.2); short protein forms E418G, E94G.
Identifiers: ClinVar variation 1442241 (VCV001442241.6), dbSNP rs1365049746, ClinGen allele CA356763372.